The following is an entry in ClinVar:

NM_001365951.3(KIF1B):c.2806G>A (p.Asp936Asn)

Genes: KIF1B (kinesin family member 1B; plus strand), LOC126805614 (BRD4-independent group 4 enhancer GRCh37_chr1:10385546-10386745; plus strand). Cytogenetic location: 1p36.22.
Variant type: single nucleotide variant.
Coding change: c.2806G>A on transcript NM_001365951.3 (MANE Select); coding-DNA position 2806, G replaced by A.
Protein change: p.Asp936Asn; replaces aspartic acid 936 with asparagine.
Molecular consequence: missense variant.
Genome position (GRCh38, 1-based): chr1:10,326,241, G>A. VCF-style: chr1-10326241-G-A. GRCh37 (hg19) VCF-style: chr1-10386299-G-A.
Other names: c.2806G>A, p.Asp936Asn (NM_001365952.1); c.2668G>A, p.Asp890Asn (NM_015074.3); short protein forms D890N, D936N.
Identifiers: ClinVar variation 1794518 (VCV001794518.2), dbSNP rs1651718647, ClinGen allele CA338337211.

ClinVar aggregate classification (germline): Uncertain significance (1 of 4 stars; one submission).

Allele frequency attached by ClinVar (database versions not stated): gnomAD exomes below 0.00001.
gnomAD v4.1: 1 of 1,614,178 alleles (0.000062%); highest among the groups gnomAD compares: Non-Finnish European, 0.000085%; no homozygotes.

Submission:

Ambry Genetics
Classification: Uncertain significance. Last evaluated: 2021-01-28. Review status: criteria provided, single submitter. Criteria: Ambry Variant Classification Scheme 2023. Collection method: clinical testing. Allele origin: germline.
Comment: The p.D890N variant (also known as c.2668G>A), located in coding exon 24 of the KIF1B gene, results from a G to A substitution at nucleotide position 2668. The aspartic acid at codon 890 is replaced by asparagine, an amino acid with highly similar properties. This amino acid position is well conserved in available vertebrate species. In addition, this alteration is predicted to be tolerated by in silico analysis. Since supporting evidence is limited at this time, the clinical significance of this alteration remains unclear.